The following is an entry in ClinVar:

NM_005157.6(ABL1):c.2626A>G (p.Arg876Gly)

Gene: ABL1 (ABL proto-oncogene 1, non-receptor tyrosine kinase; plus strand). Cytogenetic location: 9q34.12.
Variant type: single nucleotide variant.
Coding change: c.2626A>G on transcript NM_005157.6 (MANE Select); coding-DNA position 2626, A replaced by G.
Protein change: p.Arg876Gly; replaces arginine 876 with glycine.
Molecular consequence: missense variant.
Genome position (GRCh38, 1-based): chr9:130,884,916, A>G. VCF-style: chr9-130884916-A-G. GRCh37 (hg19) VCF-style: chr9-133760303-A-G.
Other names: c.2683A>G, p.Arg895Gly (NM_007313.3); short protein forms R876G, R895G.
Identifiers: ClinVar variation 133435 (VCV000133435.6), dbSNP rs587778012, ClinGen allele CA156515.
Genomic context (GRCh38, chr9:130,884,916, plus strand): 5'-AAAGCAGGCTCAGGTGCACCAGGGGGCACCAGCAAGGGCCCCGCCGAGGAGTCCAGAGTG[A>G]GGAGGCACAAGCACTCCTCTGAGTCGCCAGGGAGGGACAAGGGGAAATTGTCCAGGCTCA-3'
Protein context (NP_005148.2, residues 866-886): SKGPAEESRV[Arg876Gly]RHKHSSESPG

ClinVar aggregate classification (germline): Likely benign. Review status: criteria provided, single submitter (1 of 4 stars). 2 submissions from 2 submitters: Likely benign (1). 1 of the submissions does not count toward it. Last evaluated 2024-06-25.

Allele frequency attached by ClinVar (database versions not stated): TOPMed 0.00001.
gnomAD v4.1: 80 of 1,611,432 alleles (0.005%); highest among the groups gnomAD compares: East Asian, 0.18%; no homozygotes.

Submissions (2):

Labcorp Genetics (formerly Invitae), Labcorp
Classification: Likely benign. Last evaluated: 2024-06-25. Review status: criteria provided, single submitter. Criteria: Invitae Variant Classification Sherloc (09022015). Collection method: clinical testing. Allele origin: germline.

ITMI
No classification provided. Condition: AllHighlyPenetrant. Last evaluated: 2013-09-19. Review status: no classification provided. Collection method: reference population. Allele origin: germline. Not counted in ClinVar's aggregate classification.
Comment: Please see associated publication for description of ethnicities

Literature cited by the submitters: PubMed 24728327 (cited by ITMI).